The following is an entry in ClinVar:

ClinVar aggregate classification (germline): Uncertain significance (1 of 4 stars; one submission).

Allele frequency attached by ClinVar (database versions not stated): TOPMed below 0.00001; gnomAD exomes below 0.00001; gnomAD 0.00001.
gnomAD v4.1: 3 of 1,614,100 alleles (0.00019%); highest among the groups gnomAD compares: African/African-American, 0.0013%; no homozygotes.

Submission:

Labcorp Genetics (formerly Invitae), Labcorp
Classification: Uncertain significance. Last evaluated: 2025-06-09. Review status: criteria provided, single submitter. Criteria: Invitae Variant Classification Sherloc (09022015). Collection method: clinical testing. Allele origin: germline.
Comment: This sequence change replaces proline, which is neutral and non-polar, with leucine, which is neutral and non-polar, at codon 1162 of the ARID1A protein (p.Pro1162Leu). This variant is not present in population databases (gnomAD no frequency). This variant has not been reported in the literature in individuals affected with ARID1A-related conditions. ClinVar contains an entry for this variant (Variation ID: 2836539). Invitae Evidence Modeling of protein sequence and biophysical properties (such as structural, functional, and spatial information, amino acid conservation, physicochemical variation, residue mobility, and thermodynamic stability) indicates that this missense variant is expected to disrupt ARID1A protein function with a positive predictive value of 80%. In summary, the available evidence is currently insufficient to determine the role of this variant in disease. Therefore, it has been classified as a Variant of Uncertain Significance.

NM_006015.6(ARID1A):c.3485C>T (p.Pro1162Leu)

Genes: ARID1A (AT-rich interaction domain 1A; plus strand), LOC126805670 (CDK7 strongly-dependent group 2 enhancer GRCh37_chr1:27098665-27099864; plus strand). Cytogenetic location: 1p36.11.
Variant type: single nucleotide variant.
Coding change: c.3485C>T on transcript NM_006015.6 (MANE Select); coding-DNA position 3485, C replaced by T.
Protein change: p.Pro1162Leu; replaces proline 1162 with leucine.
Molecular consequence: missense variant.
Genome position (GRCh38, 1-based): chr1:26,772,578, C>T. VCF-style: chr1-26772578-C-T. GRCh37 (hg19) VCF-style: chr1-27099069-C-T.
Other names: c.3485C>T, p.Pro1162Leu (NM_139135.4); short protein forms P1162L.
Identifiers: ClinVar variation 2836539 (VCV002836539.3), dbSNP rs2081091993, ClinGen allele CA339166338.